The following is an entry in ClinVar:

NM_000611.6(CD59):c.266G>A (p.Cys89Tyr)

Gene: CD59 (CD59 molecule (CD59 blood group); minus strand). Cytogenetic location: 11p13.
Variant type: single nucleotide variant.
Coding change: c.266G>A on transcript NM_000611.6 (MANE Select); coding-DNA position 266, G replaced by A.
Protein change: p.Cys89Tyr; replaces cysteine 89 with tyrosine.
Molecular consequence: missense variant.
Genome position (GRCh38, 1-based): chr11:33,710,247, C>T on the plus strand (G>A on the coding strand, the complement: CD59 is on the minus strand). VCF-style: chr11-33710247-C-T. GRCh37 (hg19) VCF-style: chr11-33731793-C-T.
Other names: c.266G>A, p.Cys89Tyr (NM_001127223.1, NM_001127225.2, NM_001127226.2 and 4 more transcripts); short protein forms C89Y.
Identifiers: ClinVar variation 64690 (VCV000064690.6), dbSNP rs397514767, ClinGen allele CA144735.

ClinVar aggregate classification (germline): Pathogenic. Review status: criteria provided, multiple submitters, no conflicts (2 of 4 stars). 3 submissions from 3 submitters: Pathogenic (2). 1 of the submissions does not count toward it. Last evaluated 2024-03-06.

Conditions:
CD59-related disorder. Also called: CD59-related condition.
Primary CD59 deficiency. Also called: HEMOLYTIC ANEMIA, CD59-MEDIATED; CD59-mediated hemolytic anemia with or without immune-mediated polyneuropathy. Identifiers: Orphanet 169464, MedGen C2676767, MONDO:0012858, OMIM 612300.

Allele frequency attached by ClinVar (database versions not stated): gnomAD exomes below 0.00001.

Submissions (3):

Labcorp Genetics (formerly Invitae), Labcorp
Classification: Pathogenic. Last evaluated: 2024-03-06. Review status: criteria provided, single submitter. Criteria: Invitae Variant Classification Sherloc (09022015). Collection method: clinical testing. Allele origin: germline.
Comment: This sequence change replaces cysteine, which is neutral and slightly polar, with tyrosine, which is neutral and polar, at codon 89 of the CD59 protein (p.Cys89Tyr). This variant is present in population databases (rs397514767, gnomAD 0.0009%). This missense change has been observed in individuals with CD59 deficiency (PMID: 23149847). It has also been observed to segregate with disease in related individuals. ClinVar contains an entry for this variant (Variation ID: 64690). An algorithm developed to predict the effect of missense changes on protein structure and function (PolyPhen-2) suggests that this variant is likely to be disruptive. Experimental studies have shown that this missense change affects CD59 function (PMID: 23149847). For these reasons, this variant has been classified as Pathogenic.

Blueprint Genetics
Classification: Pathogenic for CD59-related disorders. Last evaluated: 2023-05-30. Review status: criteria provided, single submitter. Criteria: ACMG Guidelines, 2015. Collection method: clinical testing. Allele origin: germline. Affected: yes. Observed: 2 variant alleles.

OMIM
Classification: Pathogenic for HEMOLYTIC ANEMIA, CD59-MEDIATED, WITH IMMUNE-MEDIATED POLYNEUROPATHY. Last evaluated: 2013-01-03. Review status: no assertion criteria provided. Collection method: literature only. Allele origin: germline. Not counted in ClinVar's aggregate classification.

Literature cited by the submitters: PubMed 23149847 (cited by Labcorp Genetics (formerly Invitae), Labcorp and OMIM).